The following is an entry in ClinVar:

ClinVar aggregate classification (germline): Uncertain significance. Review status: criteria provided, multiple submitters, no conflicts (2 of 4 stars). 2 submissions from 2 submitters: Uncertain significance (2). Last evaluated 2026-01-04.

Conditions:
Frontotemporal dementia and/or amyotrophic lateral sclerosis 1 (FTDALS1). Also called: Frontotemporal dementia with motor neuron disease 1; C9orf72 Frontotemporal Dementia and/or Amyotrophic Lateral Sclerosis. Identifiers: Orphanet 275872, MedGen C5779877, MONDO:0007105, OMIM 105550.
Paget disease of bone 2, early-onset (PDB2). Also called: Paget disease of bone 2. Identifiers: MedGen C4085251, MONDO:0011183, OMIM 602080.
Inborn genetic diseases. Identifiers: MedGen C0950123, MeSH D030342.

Allele frequency attached by ClinVar (database versions not stated): gnomAD exomes below 0.00001; TOPMed below 0.00001.
gnomAD v4.1: 2 of 1,613,828 alleles (0.00012%); highest among the groups gnomAD compares: Non-Finnish European, 0.00017%; no homozygotes.

Submissions (2):

Labcorp Genetics (formerly Invitae), Labcorp
Classification: Uncertain significance for Paget disease of bone 2, early-onset; Frontotemporal dementia and/or amyotrophic lateral sclerosis 1. Last evaluated: 2026-01-04. Review status: criteria provided, single submitter. Criteria: Invitae Variant Classification Sherloc (09022015). Collection method: clinical testing. Allele origin: germline.
Comment: This sequence change replaces serine, which is neutral and polar, with asparagine, which is neutral and polar, at codon 207 of the SQSTM1 protein (p.Ser207Asn). This variant is present in population databases (no rsID available, gnomAD 0.0009%). This variant has not been reported in the literature in individuals affected with SQSTM1-related conditions. ClinVar contains an entry for this variant (Variation ID: 2484443). Invitae Evidence Modeling of protein sequence and biophysical properties (such as structural, functional, and spatial information, amino acid conservation, physicochemical variation, residue mobility, and thermodynamic stability) indicates that this missense variant is not expected to disrupt SQSTM1 protein function with a negative predictive value of 80%. In summary, the available evidence is currently insufficient to determine the role of this variant in disease. Therefore, it has been classified as a Variant of Uncertain Significance.

Ambry Genetics
Classification: Uncertain significance for Inborn genetic diseases. Last evaluated: 2023-03-27. Review status: criteria provided, single submitter. Criteria: Ambry Variant Classification Scheme 2023. Collection method: clinical testing. Allele origin: germline.
Comment: The c.620G>A (p.S207N) alteration is located in exon 4 (coding exon 4) of the SQSTM1 gene. This alteration results from a G to A substitution at nucleotide position 620, causing the serine (S) at amino acid position 207 to be replaced by an asparagine (N). This allele was reported in one heterozygous individual in population-based cohorts in the Genome Aggregation Database (gnomAD). This amino acid position is highly conserved in available vertebrate species. This alteration is predicted to be tolerated by in silico analysis. Based on insufficient or conflicting evidence, the clinical significance of this alteration remains unclear.

NM_003900.5(SQSTM1):c.620G>A (p.Ser207Asn)

Gene: SQSTM1 (sequestosome 1; plus strand). Cytogenetic location: 5q35.3.
Variant type: single nucleotide variant.
Coding change: c.620G>A on transcript NM_003900.5 (MANE Select); coding-DNA position 620, G replaced by A.
Protein change: p.Ser207Asn; replaces serine 207 with asparagine.
Molecular consequence: missense variant.
Genome position (GRCh38, 1-based): chr5:179,824,270, G>A. VCF-style: chr5-179824270-G-A. GRCh37 (hg19) VCF-style: chr5-179251270-G-A.
Other names: c.368G>A, p.Ser123Asn (NM_001142298.2, NM_001142299.2); short protein forms S123N, S207N.
Identifiers: ClinVar variation 2484443 (VCV002484443.6), dbSNP rs1023941941, ClinGen allele CA133099133.